The following is an entry in ClinVar:

ClinVar aggregate classification (germline): Uncertain significance (1 of 4 stars; one submission).

Submission:

Labcorp Genetics (formerly Invitae), Labcorp
Classification: Uncertain significance. Last evaluated: 2022-02-22. Review status: criteria provided, single submitter. Criteria: Invitae Variant Classification Sherloc (09022015). Collection method: clinical testing. Allele origin: germline.
Comment: This variant has not been reported in the literature in individuals affected with SAMD11-related conditions. This variant is not present in population databases (gnomAD no frequency). This variant, c.1144_1158del, results in the deletion of 5 amino acid(s) of the SAMD11 protein (p.Leu382_Asp386del), but otherwise preserves the integrity of the reading frame. Experimental studies and prediction algorithms are not available or were not evaluated, and the functional significance of this variant is currently unknown. In summary, the available evidence is currently insufficient to determine the role of this variant in disease. Therefore, it has been classified as a Variant of Uncertain Significance.

NM_001385641.1(SAMD11):c.1633_1647del (p.Leu545_Asp549del)

Gene: SAMD11 (sterile alpha motif domain containing 11; plus strand). Cytogenetic location: 1p36.33.
Variant type: Deletion.
Coding change: c.1633_1647del on transcript NM_001385641.1 (MANE Select); coding-DNA positions 1633 to 1647, 15 bases deleted (CTGCGCCCCAACGAC).
Protein change: p.Leu545_Asp549del.
Molecular consequence: inframe deletion.
Genome position (GRCh38, 1-based): chr1:942,638-942,652, CTGCGCCCCAACGAC deleted; deleting any 15 consecutive bases within chr1:942,637-942,652 gives the same sequence; the c. name uses the placement nearest the transcript's 3' end. VCF-style (leftmost placement, unchanged base first): chr1-942636-CCCTGCGCCCCAACGA-C. GRCh37 (hg19) VCF-style: chr1-878016-CCCTGCGCCCCAACGA-C.
Other names: c.1636_1650del, p.Leu546_Asp550del (NM_001385640.1); c.1144_1158del, p.Leu382_Asp386del (NM_152486.4).
Identifiers: ClinVar variation 2101808 (VCV002101808.4), dbSNP rs1641856923, ClinGen allele CA1148665250.
Genomic context (GRCh38, chr1:942,636, plus strand): 5'-ACCTCCTGCGGCAGAAGGAGCTGGAGAGCGCGCGCCCACAGCTGCTGGCGCCCGAGACCG[CCCTGCGCCCCAACGA>C]CGGCGCCGAGGAGCTGCAGCGGCGCGGGGCCCTGCTGGTGCTGAACCACGGCGCGGCGCC-3'